The following is an entry in ClinVar:

ClinVar aggregate classification (germline): Uncertain significance (1 of 4 stars; one submission).

Conditions:
Genitopatellar syndrome (GTPTS). Also called: Genitopatellar syndrome (GPS); ABSENT PATELLAE, SCROTAL HYPOPLASIA, RENAL ANOMALIES, FACIAL DYSMORPHISM, AND MENTAL RETARDATION. Identifiers: Orphanet 85201, MedGen C1853566, MONDO:0011640, OMIM 606170.

Allele frequency attached by ClinVar (database versions not stated): gnomAD exomes below 0.00001.
gnomAD v4.1: 2 of 1,614,098 alleles (0.00012%); highest among the groups gnomAD compares: East Asian, 0.0045%; no homozygotes.

Submission:

Labcorp Genetics (formerly Invitae), Labcorp
Classification: Uncertain significance for Genitopatellar syndrome. Last evaluated: 2024-10-08. Review status: criteria provided, single submitter. Criteria: Invitae Variant Classification Sherloc (09022015). Collection method: clinical testing. Allele origin: germline.
Comment: This sequence change replaces lysine, which is basic and polar, with arginine, which is basic and polar, at codon 260 of the KAT6B protein (p.Lys260Arg). This variant is not present in population databases (gnomAD no frequency). This variant has not been reported in the literature in individuals affected with KAT6B-related conditions. ClinVar contains an entry for this variant (Variation ID: 2058779). Invitae Evidence Modeling of protein sequence and biophysical properties (such as structural, functional, and spatial information, amino acid conservation, physicochemical variation, residue mobility, and thermodynamic stability) indicates that this missense variant is not expected to disrupt KAT6B protein function with a negative predictive value of 80%. In summary, the available evidence is currently insufficient to determine the role of this variant in disease. Therefore, it has been classified as a Variant of Uncertain Significance.

NM_012330.4(KAT6B):c.779A>G (p.Lys260Arg)

Gene: KAT6B (lysine acetyltransferase 6B; plus strand). Cytogenetic location: 10q22.2.
Variant type: single nucleotide variant.
Coding change: c.779A>G on transcript NM_012330.4 (MANE Select); coding-DNA position 779, A replaced by G.
Protein change: p.Lys260Arg; replaces lysine 260 with arginine.
Molecular consequence: missense variant. On other transcripts: intron variant (2).
Genome position (GRCh38, 1-based): chr10:74,969,708, A>G. VCF-style: chr10-74969708-A-G. GRCh37 (hg19) VCF-style: chr10-76729466-A-G.
Other names: c.779A>G, p.Lys260Arg (NM_001256468.2, NM_001256469.2, NM_001370132.1 and 10 more transcripts); c.193-9516A>G (NM_001370134.1); c.192+9630A>G (NM_001370135.1); short protein forms K260R.
Identifiers: ClinVar variation 2058779 (VCV002058779.4), dbSNP rs2548920623, ClinGen allele CA377281702.